The following is an entry in ClinVar:

NM_018051.5(DYNC2I1):c.1883G>A (p.Ser628Asn)

Gene: DYNC2I1 (dynein 2 intermediate chain 1; plus strand). Cytogenetic location: 7q36.3.
Variant type: single nucleotide variant.
Coding change: c.1883G>A on transcript NM_018051.5 (MANE Select); coding-DNA position 1883, G replaced by A.
Protein change: p.Ser628Asn; replaces serine 628 with asparagine.
Molecular consequence: missense variant.
Genome position (GRCh38, 1-based): chr7:158,918,831, G>A. VCF-style: chr7-158918831-G-A. GRCh37 (hg19) VCF-style: chr7-158711522-G-A.
Other names: c.1745G>A, p.Ser582Asn (NM_001350914.2); c.1310G>A, p.Ser437Asn (NM_001350915.2); c.422G>A, p.Ser141Asn (NM_001350916.2); c.635G>A, p.Ser212Asn (NM_001350917.2, NM_001350918.2); short protein forms S582N, S212N, S141N, S437N, S628N.
Identifiers: ClinVar variation 767343 (VCV000767343.14), dbSNP rs149660873, ClinGen allele CA4594793.

ClinVar aggregate classification (germline): Conflicting classifications of pathogenicity. Review status: criteria provided, conflicting classifications (1 of 4 stars). 4 submissions from 4 submitters: Uncertain significance (2); Likely benign (1). 1 of the submissions does not count toward it. Last evaluated 2025-12-20.

Conditions:
DYNC2I1-related disorder. Also called: DYNC2I1-related condition.
Inborn genetic diseases. Identifiers: MedGen C0950123, MeSH D030342.
Short-rib thoracic dysplasia 8 with or without polydactyly (SRTD8). Also called: SHORT-RIB THORACIC DYSPLASIA 8 WITH POLYDACTYLY. Identifiers: Orphanet 93271, MedGen C3809691, MONDO:0014214, OMIM 615503.

Allele frequency attached by ClinVar (database versions not stated): 1000 Genomes Project 30x 0.00094; 1000 Genomes Project 0.00100; gnomAD 0.00118 and 0.00110; gnomAD exomes 0.00026 and 0.00010; TOPMed 0.00124; ESP Exome Variant Server 0.00092; ExAC 0.00032.
gnomAD v4.1: 326 of 1,613,864 alleles (0.02%); highest among the groups gnomAD compares: African/African-American, 0.35%; no homozygotes.

Submissions (4):

Labcorp Genetics (formerly Invitae), Labcorp
Classification: Likely benign for Short-rib thoracic dysplasia 8 with or without polydactyly. Last evaluated: 2025-12-20. Review status: criteria provided, single submitter. Criteria: Invitae Variant Classification Sherloc (09022015). Collection method: clinical testing. Allele origin: germline.

Ambry Genetics
Classification: Uncertain significance for Inborn genetic diseases. Last evaluated: 2024-05-28. Review status: criteria provided, single submitter. Criteria: Ambry Variant Classification Scheme 2023. Collection method: clinical testing. Allele origin: germline.

GeneDx
Classification: Uncertain significance. Last evaluated: 2019-04-17. Review status: criteria provided, single submitter. Criteria: GeneDx Variant Classification Process June 2021. Collection method: clinical testing. Allele origin: germline. Affected: yes.
Comment: Has not been previously published as pathogenic or benign to our knowledge; In silico analysis, which includes protein predictors and evolutionary conservation, supports that this variant does not alter protein structure/function

PreventionGenetics, part of Exact Sciences
Classification: Likely benign for DYNC2I1-related condition. Last evaluated: 2024-03-07. Review status: no assertion criteria provided. Collection method: clinical testing. Allele origin: germline. Not counted in ClinVar's aggregate classification.
Comment: This variant is classified as likely benign based on ACMG/AMP sequence variant interpretation guidelines (Richards et al. 2015 PMID: 25741868, with internal and published modifications).